The following is an entry in ClinVar:

ClinVar aggregate classification (germline): Benign/Likely benign. Review status: criteria provided, multiple submitters, no conflicts (2 of 4 stars). 2 submissions from 2 submitters: Benign (1); Likely benign (1). Last evaluated 2026-06-29.

Conditions:
Sessile serrated polyposis cancer syndrome (SSPCS). Identifiers: Orphanet 157798, MedGen C4310714, MONDO:0014919, OMIM 617108.

Submissions (2):

Myriad Genetics, Inc.
Classification: Benign for Sessile serrated polyposis cancer syndrome. Last evaluated: 2026-06-29. Review status: criteria provided, single submitter. Criteria: Myriad Autosomal Dominant, Autosomal Recessive and X-Linked Classification Criteria (2023). Collection method: clinical testing. Allele origin: unknown.
Comment: This variant is considered benign. This variant is a silent/synonymous amino acid change and it is not expected to impact splicing.

Ambry Genetics
Classification: Likely benign. Last evaluated: 2025-01-17. Review status: criteria provided, single submitter. Criteria: Ambry Variant Classification Scheme 2023. Collection method: clinical testing. Allele origin: germline.

NM_017763.6(RNF43):c.204G>A (p.Val68=)

Gene: RNF43 (ring finger protein 43; minus strand). Cytogenetic location: 17q22.
Variant type: single nucleotide variant.
Coding change: c.204G>A on transcript NM_017763.6 (MANE Select); coding-DNA position 204, G replaced by A.
Protein change: p.Val68=; no amino-acid change (valine 68 retained).
Molecular consequence: synonymous variant.
Genome position (GRCh38, 1-based): chr17:58,415,374, C>T on the plus strand (G>A on the coding strand, the complement: RNF43 is on the minus strand). VCF-style: chr17-58415374-C-T. GRCh37 (hg19) VCF-style: chr17-56492735-C-T.
Other names: c.204G>A, p.Val68= (NM_001305544.3).
Identifiers: ClinVar variation 3789905 (VCV003789905.2).
Genomic context (GRCh38, chr17:58,415,374, plus strand): 5'-AGTTATACTTGCCTGCATTAATTTTCCTTCTGCTGGAGTTATTTCAGCAACACCAGCAAA[C>T]ACACCTTCCAAAGTGAGATTCAGTTTTCCTGTGGGGTCCATTTTCAAGGGGATCACTCTG-3'
Protein context (NP_060233.3, residues 58-78): TGKLNLTLEG[Val68=]FAGVAEITPA